The following is an entry in ClinVar:

ClinVar aggregate classification (germline): Conflicting classifications of pathogenicity. Review status: criteria provided, conflicting classifications (1 of 4 stars). 4 submissions from 4 submitters: Likely pathogenic (1); Uncertain significance (3). Last evaluated 2025-07-25.

Conditions:
Polycystic kidney disease, adult type (PKD1). Also called: POLYCYSTIC KIDNEY DISEASE 1 WITH OR WITHOUT POLYCYSTIC LIVER DISEASE; Polycystic Kidney Disease 1, Autosomal Dominant; Polycystic kidney disease 1; Polycystic kidney disease 1, severe; Polycystic Kidney, Autosomal Dominant; POLYCYSTIC KIDNEY DISEASE, ADULT, TYPE I. Identifiers: MedGen C3149841, MONDO:0008263, OMIM 173900.
Inborn genetic diseases. Identifiers: MedGen C0950123, MeSH D030342.

Submissions (4):

Victorian Clinical Genetics Services, Murdoch Childrens Research Institute
Classification: Uncertain significance for Polycystic kidney disease, adult type. Last evaluated: 2025-07-25. Review status: criteria provided, single submitter. Criteria: ACMG Guidelines, 2015. Collection method: clinical testing. Allele origin: germline. Affected: yes.
Comment: This variant is classified as VUS-3A. Evidence in support of pathogenic classification: Variant is absent from gnomAD (v2, v3 and v4); This variant has limited previous evidence of pathogenicity in unrelated individual(s). This variant has been classified as a VUS and likely pathogenic by clinical laboratories in ClinVar. Additionally, it has been reported in the literature in individuals with polycystic kidney disease, including two individuals where other PKD1 missense variants were detected; however, phasing information and justification of which variant was explanatory was not provided (PMID: 23431072, 26920127, 29520754). Additional information: Variant is predicted to result in a missense amino acid change from Ser to Trp; This variant is heterozygous; This gene is associated with autosomal dominant disease. Polycystic kidney disease 1 (MIM#173900) is predominantly caused by monoallelic variants, with rare reports of biallelic variants causing disease (OMIM); Alternative amino acid change(s) at the same position are present in gnomAD (Highest allele count: v4: 3 heterozygote(s), 0 homozygote(s)). - No published evidence of segregation with disease has been identified for this variant; No published functional evidence has been identified for this variant; Another missense variant(s) comparable to the one identified in this case has inconclusive previous evidence for pathogenicity. p.(Ser3904Leu) has been classified as a VUS by clinical laboratories (ClinVar); Variant is located in the annotated polycystin cation channel (DECIPHER); Missense variant with inconclusive in silico prediction and uninformative conservation; Loss of function is a known mechanism of disease in this gene and is associated with polycystic kidney disease 1 (MIM#173900); Inheritance information for this variant is not currently available in this individual.

GeneDx
Classification: Uncertain significance. Last evaluated: 2025-06-26. Review status: criteria provided, single submitter. Criteria: GeneDx Variant Classification Process June 2021. Collection method: clinical testing. Allele origin: germline. Affected: yes.
Comment: Not observed at significant frequency in large population cohorts (gnomAD); In silico analysis supports that this missense variant has a deleterious effect on protein structure/function; This variant is associated with the following publications: (PMID: 23431072)

Fulgent Genetics
Classification: Likely pathogenic for Polycystic kidney disease, adult type. Last evaluated: 2024-04-26. Review status: criteria provided, single submitter. Criteria: ACMG Guidelines, 2015. Collection method: clinical testing. Allele origin: germline.

Ambry Genetics
Classification: Uncertain significance for Inborn genetic diseases. Last evaluated: 2023-12-01. Review status: criteria provided, single submitter. Criteria: Ambry Variant Classification Scheme 2023. Collection method: clinical testing. Allele origin: germline.
Comment: The c.11708C>G (p.S3903W) alteration is located in exon 42 (coding exon 42) of the PKD1 gene. This alteration results from a C to G substitution at nucleotide position 11708, causing the serine (S) at amino acid position 3903 to be replaced by a tryptophan (W). This variant was not reported in population-based cohorts in the Genome Aggregation Database (gnomAD). The c.11708C>G (p.S3903W) alteration (reported as p.S3904W) was observed once in a cohort of ADPKD patients meeting diagnostic criteria by renal ultrasound (Cornec-Le Gall, 2013). This amino acid position is well conserved in available vertebrate species with limited alignment for this region. This alteration is predicted to be tolerated by in silico analysis. Based on insufficient or conflicting evidence, the clinical significance of this alteration remains unclear.

Literature cited by the submitters: PubMed 26920127 (cited by Victorian Clinical Genetics Services, Murdoch Childrens Research Institute); PubMed 29520754 (cited by Victorian Clinical Genetics Services, Murdoch Childrens Research Institute); PubMed 23431072 (cited by Victorian Clinical Genetics Services, Murdoch Childrens Research Institute and Ambry Genetics).

NM_001009944.3(PKD1):c.11711C>G (p.Ser3904Trp)

Gene: PKD1 (polycystin 1, transient receptor potential channel interacting; minus strand). Cytogenetic location: 16p13.3.
Variant type: single nucleotide variant.
Coding change: c.11711C>G on transcript NM_001009944.3 (MANE Select); coding-DNA position 11711, C replaced by G.
Protein change: p.Ser3904Trp; replaces serine 3904 with tryptophan.
Molecular consequence: missense variant.
Genome position (GRCh38, 1-based): chr16:2,091,424, G>C on the plus strand (C>G on the coding strand, the complement: PKD1 is on the minus strand). VCF-style: chr16-2091424-G-C. GRCh37 (hg19) VCF-style: chr16-2141425-G-C.
Other names: c.11708C>G, p.Ser3903Trp (NM_000296.4); c.11711C>G (NM_001009944.2); short protein forms S3903W, S3904W.
Identifiers: ClinVar variation 986023 (VCV000986023.9), dbSNP rs2091571469, ClinGen allele CA394331631.